The following is an entry in ClinVar:

NM_004168.4(SDHA):c.1220A>G (p.His407Arg)

Gene: SDHA (succinate dehydrogenase complex flavoprotein subunit A; plus strand). Cytogenetic location: 5p15.33.
Variant type: single nucleotide variant.
Coding change: c.1220A>G on transcript NM_004168.4 (MANE Select); coding-DNA position 1220, A replaced by G.
Protein change: p.His407Arg; replaces histidine 407 with arginine.
Molecular consequence: missense variant.
Genome position (GRCh38, 1-based): chr5:235,299, A>G. VCF-style: chr5-235299-A-G. GRCh37 (hg19) VCF-style: chr5-235414-A-G.
Other names: c.1076A>G, p.His359Arg (NM_001294332.2); c.1220A>G, p.His407Arg (NM_001330758.2); short protein forms H359R, H407R.
Identifiers: ClinVar variation 818623 (VCV000818623.14), dbSNP rs374087393, ClinGen allele CA112825851.
Genomic context (GRCh38, chr5:235,299, plus strand): 5'-CCATGATCTTCGCTGGCGTGGACGTCACGAAGGAGCCGATCCCTGTCCTCCCCACCGTGC[A>G]TTATAACATGGGCGGCATTCCCACCAACTACAAGGGGCAGGTGATGGTGCTGGCTCCTCC-3'
Protein context (NP_004159.2, residues 397-417): KEPIPVLPTV[His407Arg]YNMGGIPTNY

ClinVar aggregate classification (germline): Conflicting classifications of pathogenicity. Review status: criteria provided, conflicting classifications (1 of 4 stars). 3 submissions from 3 submitters: Likely pathogenic (1); Uncertain significance (2). Last evaluated 2026-05-05.

Conditions:
Pheochromocytoma/paraganglioma syndrome 5. Also called: Paragangliomas 5; SDHA-Related Hereditary Paraganglioma-Pheochromocytoma Syndrome. Identifiers: Orphanet 29072, MedGen C3279992, MONDO:0013602, OMIM 614165.
Mitochondrial complex II deficiency, nuclear type 1. Also called: SUCCINATE CoQ REDUCTASE DEFICIENCY. Identifiers: Orphanet 3208, MedGen C5700310, MONDO:0100294, OMIM 252011.
Hereditary cancer-predisposing syndrome. Also called: Tumor predisposition; Hereditary neoplastic syndrome; Neoplastic Syndromes, Hereditary; Hereditary Cancer Syndrome. Identifiers: Orphanet 140162, MedGen C0027672, MeSH D009386, MONDO:0015356.
Dilated cardiomyopathy 1GG (CMD1GG). Identifiers: Orphanet 154, MedGen C3150898, MONDO:0013339, OMIM 613642.

Allele frequency attached by ClinVar (database versions not stated): gnomAD exomes below 0.00001; gnomAD 0.00001; TOPMed 0.00002; ESP Exome Variant Server 0.00008.
gnomAD v4.1: 2 of 1,614,054 alleles (0.00012%); highest among the groups gnomAD compares: African/African-American, 0.0013%; no homozygotes.

Submissions (3):

Ambry Genetics
Classification: Likely pathogenic for Hereditary cancer-predisposing syndrome. Last evaluated: 2026-05-05. Review status: criteria provided, single submitter. Criteria: Ambry Variant Classification Scheme 2023. Collection method: clinical testing. Allele origin: germline.
Comment: The p.H407R variant (also known as c.1220A>G), located in coding exon 9 of the SDHA gene, results from an A to G substitution at nucleotide position 1220. The histidine at codon 407 is replaced by arginine, an amino acid with highly similar properties. This variant was reported in individuals with features consistent with SDHA-related hereditary pheochromocytoma-paraganglioma (Ambry internal data). Based on internal structural analysis, this variant is located within the FAD binding pocket and is anticipated to introduce steric clashes with the flavin group of the coenzyme, disrupting its orientation (Zhou Q et al. Protein Cell, 2011 Jul;2:531-42). This amino acid position is highly conserved in available vertebrate species. In addition, this missense alteration is predicted to be deleterious by in silico analysis. In silico splice site analysis predicts that this alteration will result in the creation or strengthening of a novel splice donor site. RNA studies have demonstrated that this alteration results in an incomplete splice defect; the clinical impact of this abnormal splicing is unknown at this time (Ambry internal data). Based on the majority of available evidence to date, this variant is likely to be pathogenic.

Labcorp Genetics (formerly Invitae), Labcorp
Classification: Uncertain significance for Pheochromocytoma/paraganglioma syndrome 5; Mitochondrial complex II deficiency, nuclear type 1. Last evaluated: 2024-07-17. Review status: criteria provided, single submitter. Criteria: Invitae Variant Classification Sherloc (09022015). Collection method: clinical testing. Allele origin: germline.
Comment: This sequence change replaces histidine, which is basic and polar, with arginine, which is basic and polar, at codon 407 of the SDHA protein (p.His407Arg). RNA analysis indicates that this missense change induces altered splicing and likely results in the loss of 15 amino acid residue(s), but is expected to preserve the integrity of the reading-frame. This variant is present in population databases (rs374087393, gnomAD 0.007%). This variant has not been reported in the literature in individuals affected with SDHA-related conditions. ClinVar contains an entry for this variant (Variation ID: 818623). Advanced modeling of protein sequence and biophysical properties (such as structural, functional, and spatial information, amino acid conservation, physicochemical variation, residue mobility, and thermodynamic stability) has been performed at Invitae for this missense variant, however the output from this modeling did not meet the statistical confidence thresholds required to predict the impact of this variant on SDHA protein function. Studies have shown that this missense change results in the activation of a cryptic splice site in exon 9 (Invitae). In summary, the available evidence is currently insufficient to determine the role of this variant in disease. Therefore, it has been classified as a Variant of Uncertain Significance.

Baylor Genetics
Classification: Uncertain significance for Dilated cardiomyopathy 1GG. Last evaluated: 2023-12-18. Review status: criteria provided, single submitter. Criteria: ACMG Guidelines, 2015. Collection method: clinical testing. Allele origin: unknown.

Literature cited by the submitters: PubMed 21822798 (cited by Ambry Genetics).